The following is an entry in ClinVar:

NM_013448.3(BAZ1A):c.92A>G (p.Asn31Ser)

Genes: BAZ1A (bromodomain adjacent to zinc finger domain 1A; minus strand), BAZ1A-AS1 (BAZ1A antisense RNA 1; plus strand). Cytogenetic location: 14q13.2.
Variant type: single nucleotide variant.
Coding change: c.92A>G on transcript NM_013448.3 (MANE Select); coding-DNA position 92, A replaced by G.
Protein change: p.Asn31Ser; replaces asparagine 31 with serine.
Molecular consequence: missense variant. On other transcripts: non-coding transcript variant (1).
Genome position (GRCh38, 1-based): chr14:34,874,513, T>C on the plus strand (A>G on the coding strand, the complement: BAZ1A is on the minus strand). VCF-style: chr14-34874513-T-C. GRCh37 (hg19) VCF-style: chr14-35343719-T-C.
Other names: c.92A>G, p.Asn31Ser (NM_182648.2); short protein forms N31S.
Identifiers: ClinVar variation 3133038 (VCV003133038.2), dbSNP rs754684213, ClinGen allele CA7153411.

ClinVar aggregate classification (germline): Uncertain significance. Review status: criteria provided, multiple submitters, no conflicts (2 of 4 stars). 2 submissions from 2 submitters: Uncertain significance (2). Last evaluated 2024-10-27.

Conditions:
BAZ1A-related disorder. Also called: BAZ1A-related condition.

Allele frequency attached by ClinVar (database versions not stated): TOPMed below 0.00001; ExAC 0.00001; gnomAD 0.00001; gnomAD exomes 0.00001.
gnomAD v4.1: 13 of 1,611,726 alleles (0.00081%); highest among the groups gnomAD compares: East Asian, 0.029%; no homozygotes.

Submissions (2):

PreventionGenetics, part of Exact Sciences
Classification: Uncertain significance for BAZ1A-related condition. Last evaluated: 2024-10-27. Review status: criteria provided, single submitter. Criteria: ACMG Guidelines, 2015. Collection method: clinical testing. Allele origin: germline.
Comment: The BAZ1A c.92A>G variant is predicted to result in the amino acid substitution p.Asn31Ser. To our knowledge, this variant has not been reported in the literature. This variant is reported in 0.027% of alleles in individuals of East Asian descent in gnomAD. At this time, the clinical significance of this variant is uncertain due to the absence of conclusive functional and genetic evidence.

Ambry Genetics
Classification: Uncertain significance. Last evaluated: 2023-12-17. Review status: criteria provided, single submitter. Criteria: Ambry Variant Classification Scheme 2023. Collection method: clinical testing. Allele origin: germline.